The following is an entry in ClinVar:

ClinVar aggregate classification (germline): Uncertain significance (1 of 4 stars; one submission).

Conditions:
Cardiovascular phenotype. Identifiers: MedGen CN230736.

Allele frequency attached by ClinVar (database versions not stated): TOPMed below 0.00001.

Submission:

Ambry Genetics
Classification: Uncertain significance for Cardiovascular phenotype. Last evaluated: 2023-03-25. Review status: criteria provided, single submitter. Criteria: Ambry Variant Classification Scheme 2023. Collection method: clinical testing. Allele origin: germline.
Comment: The p.G75A variant (also known as c.224G>C), located in coding exon 3 of the ANK2 gene, results from a G to C substitution at nucleotide position 224. The glycine at codon 75 is replaced by alanine, an amino acid with similar properties. This amino acid position is conserved. In addition, this alteration is predicted to be deleterious by in silico analysis. Since supporting evidence is limited at this time, the clinical significance of this alteration remains unclear.

NM_001148.6(ANK2):c.224G>C (p.Gly75Ala)

Gene: ANK2 (ankyrin 2; plus strand). Cytogenetic location: 4q25.
Variant type: single nucleotide variant.
Coding change: c.224G>C on transcript NM_001148.6 (MANE Select); coding-DNA position 224, G replaced by C.
Protein change: p.Gly75Ala; replaces glycine 75 with alanine.
Molecular consequence: missense variant.
Genome position (GRCh38, 1-based): chr4:113,196,405, G>C. VCF-style: chr4-113196405-G-C. GRCh37 (hg19) VCF-style: chr4-114117561-G-C.
Other names: c.161G>C, p.Gly54Ala (NM_001127493.3, NM_001354239.2, NM_001354243.2 and 33 more transcripts); c.224G>C, p.Gly75Ala (NM_001354225.2, NM_001354228.2, NM_001354232.2 and 9 more transcripts); c.269G>C, p.Gly90Ala (NM_001354230.2, NM_001354231.2, NM_001354237.2 and 5 more transcripts); c.206G>C, p.Gly69Ala (NM_001354261.2, NM_001386147.1, NM_001386160.1); c.212G>C, p.Gly71Ala (NM_001354269.3, NM_001386148.2, NM_001386186.2 and 1 more transcripts); c.275G>C, p.Gly92Ala (NM_001386174.1, NM_001386175.1); short protein forms G69A, G75A, G54A, G92A, G71A, G90A.
Identifiers: ClinVar variation 2565292 (VCV002565292.2), dbSNP rs951119980, ClinGen allele CA104499542.